The following is an entry in ClinVar:

NM_004655.4(AXIN2):c.473G>C (p.Arg158Thr)

Gene: AXIN2 (axin 2; minus strand). Cytogenetic location: 17q24.1.
Variant type: single nucleotide variant.
Coding change: c.473G>C on transcript NM_004655.4 (MANE Select); coding-DNA position 473, G replaced by C.
Protein change: p.Arg158Thr; replaces arginine 158 with threonine.
Molecular consequence: missense variant.
Genome position (GRCh38, 1-based): chr17:65,558,148, C>G on the plus strand (G>C on the coding strand, the complement: AXIN2 is on the minus strand). VCF-style: chr17-65558148-C-G. GRCh37 (hg19) VCF-style: chr17-63554266-C-G.
Other names: c.473G>C (LRG_296t1); c.473G>C, p.Arg158Thr (NM_001363813.1); short protein forms R158T.
Identifiers: ClinVar variation 574189 (VCV000574189.17), dbSNP rs748730853, ClinGen allele CA8719044.
Genomic context (GRCh38, chr17:65,558,148, plus strand): 5'-ATCTCGGTCTGCGCCTGGTCAAACATGATGGAATCAATCTGCTGCTTCTTGATGCCATCT[C>G]TTATGTAGGTCTTGGTGGCAGGCTTCAGCTGCTTGGAGACAATGCTGTTGTTCTCAATGT-3'
Protein context (NP_004646.3, residues 148-168): QLKPATKTYI[Arg158Thr]DGIKKQQIDS

ClinVar aggregate classification (germline): Uncertain significance. Review status: criteria provided, multiple submitters, no conflicts (2 of 4 stars). 4 submissions from 4 submitters: Uncertain significance (4). Last evaluated 2025-12-10.

Conditions:
Oligodontia-cancer predisposition syndrome. Also called: TOOTH AGENESIS-COLORECTAL CANCER SYNDROME. Identifiers: Orphanet 300576, MedGen C1837750, MONDO:0012075, OMIM 608615. Disease mechanism: loss of function.
Colorectal cancer. Also called: Malignant Colorectal Neoplasm; Colorectal cancer, somatic. Identifiers: MedGen C0346629, MONDO:0005575, OMIM 114500.
Hereditary cancer-predisposing syndrome. Also called: Neoplastic Syndromes, Hereditary; Hereditary Cancer Syndrome; Tumor predisposition; Hereditary neoplastic syndrome. Identifiers: Orphanet 140162, MedGen C0027672, MeSH D009386, MONDO:0015356.

Allele frequency attached by ClinVar (database versions not stated): gnomAD exomes below 0.00001; ExAC 0.00001; gnomAD 0.00001; TOPMed 0.00001.
gnomAD v4.1: 10 of 1,614,002 alleles (0.00062%); highest among the groups gnomAD compares: Non-Finnish European, 0.00085%; no homozygotes.

Submissions (4):

Labcorp Genetics (formerly Invitae), Labcorp
Classification: Uncertain significance for Oligodontia-cancer predisposition syndrome. Last evaluated: 2025-12-10. Review status: criteria provided, single submitter. Criteria: Invitae Variant Classification Sherloc (09022015). Collection method: clinical testing. Allele origin: germline.
Comment: This sequence change replaces arginine, which is basic and polar, with threonine, which is neutral and polar, at codon 158 of the AXIN2 protein (p.Arg158Thr). This variant is present in population databases (rs748730853, gnomAD 0.002%). This variant has not been reported in the literature in individuals affected with AXIN2-related conditions. ClinVar contains an entry for this variant (Variation ID: 574189). Invitae Evidence Modeling of protein sequence and biophysical properties (such as structural, functional, and spatial information, amino acid conservation, physicochemical variation, residue mobility, and thermodynamic stability) indicates that this missense variant is not expected to disrupt AXIN2 protein function with a negative predictive value of 80%. In summary, the available evidence is currently insufficient to determine the role of this variant in disease. Therefore, it has been classified as a Variant of Uncertain Significance.

Ambry Genetics
Classification: Uncertain significance for Hereditary cancer-predisposing syndrome. Last evaluated: 2024-06-02. Review status: criteria provided, single submitter. Criteria: Ambry Variant Classification Scheme 2023. Collection method: clinical testing. Allele origin: germline.
Comment: The p.R158T variant (also known as c.473G>C), located in coding exon 1 of the AXIN2 gene, results from a G to C substitution at nucleotide position 473. The arginine at codon 158 is replaced by threonine, an amino acid with similar properties. This amino acid position is well conserved in available vertebrate species. In addition, this alteration is predicted to be tolerated by in silico analysis. Since supporting evidence is limited at this time, the clinical significance of this alteration remains unclear.

Baylor Genetics
Classification: Uncertain significance for Colorectal cancer. Last evaluated: 2024-03-05. Review status: criteria provided, single submitter. Criteria: ACMG Guidelines, 2015. Collection method: clinical testing. Allele origin: unknown.

GeneDx
Classification: Uncertain significance. Last evaluated: 2023-09-06. Review status: criteria provided, single submitter. Criteria: GeneDx Variant Classification Process June 2021. Collection method: clinical testing. Allele origin: germline. Affected: yes.
Comment: Not observed at significant frequency in large population cohorts (gnomAD); In silico analysis supports that this missense variant has a deleterious effect on protein structure/function; Has not been previously published as pathogenic or benign to our knowledge; This variant is associated with the following publications: (PMID: 15735151)